The following is an entry in ClinVar:

NM_005198.5(CHKB):c.452G>C (p.Arg151Pro)

Genes: CHKB-CPT1B (CHKB-CPT1B readthrough (NMD candidate); minus strand), CHKB (choline kinase beta; minus strand). Cytogenetic location: 22q13.33.
Variant type: single nucleotide variant.
Coding change: c.452G>C on transcript NM_005198.5 (MANE Select); coding-DNA position 452, G replaced by C.
Protein change: p.Arg151Pro; replaces arginine 151 with proline.
Molecular consequence: missense variant. On other transcripts: non-coding transcript variant (1).
Genome position (GRCh38, 1-based): chr22:50,581,549, C>G on the plus strand (G>C on the coding strand, the complement: CHKB is on the minus strand). VCF-style: chr22-50581549-C-G. GRCh37 (hg19) VCF-style: chr22-51019978-C-G.
Other names: short protein forms R151P.
Identifiers: ClinVar variation 1716099 (VCV001716099.5), dbSNP rs184839240, ClinGen allele CA412200985.

ClinVar aggregate classification (germline): Uncertain significance (1 of 4 stars; one submission).

Conditions:
Megaconial type congenital muscular dystrophy (MDCMC). Also called: CHKB-Related Muscular Dystrophy; MUSCULAR DYSTROPHY, CONGENITAL, WITH MITOCHONDRIAL STRUCTURAL ABNORMALITIES; CHKB-Related Muscle Diseases. Identifiers: Orphanet 280671, MedGen C1865233, MONDO:0011246, OMIM 602541.

Submission:

Labcorp Genetics (formerly Invitae), Labcorp
Classification: Uncertain significance for Megaconial type congenital muscular dystrophy. Last evaluated: 2022-07-23. Review status: criteria provided, single submitter. Criteria: Invitae Variant Classification Sherloc (09022015). Collection method: clinical testing. Allele origin: germline.
Comment: Algorithms developed to predict the effect of missense changes on protein structure and function are either unavailable or do not agree on the potential impact of this missense change (SIFT: "Tolerated"; PolyPhen-2: "Probably Damaging"; Align-GVGD: "Class C0"). In summary, the available evidence is currently insufficient to determine the role of this variant in disease. Therefore, it has been classified as a Variant of Uncertain Significance. This variant has not been reported in the literature in individuals affected with CHKB-related conditions. This sequence change replaces arginine, which is basic and polar, with proline, which is neutral and non-polar, at codon 151 of the CHKB protein (p.Arg151Pro). This variant is not present in population databases (gnomAD no frequency).